The following is an entry in ClinVar:

NM_030777.4(SLC2A10):c.876C>A (p.Asp292Glu)

Gene: SLC2A10 (solute carrier family 2 member 10; plus strand). Cytogenetic location: 20q13.12.
Variant type: single nucleotide variant.
Coding change: c.876C>A on transcript NM_030777.4 (MANE Select); coding-DNA position 876, C replaced by A.
Protein change: p.Asp292Glu; replaces aspartic acid 292 with glutamic acid.
Molecular consequence: missense variant.
Genome position (GRCh38, 1-based): chr20:46,725,912, C>A. VCF-style: chr20-46725912-C-A. GRCh37 (hg19) VCF-style: chr20-45354551-C-A.
Other names: short protein forms D292E.
Identifiers: ClinVar variation 423950 (VCV000423950.19), dbSNP rs777604168, ClinGen allele CA9892061.

ClinVar aggregate classification (germline): Conflicting classifications of pathogenicity. Review status: criteria provided, conflicting classifications (1 of 4 stars). 3 submissions from 3 submitters: Uncertain significance (2); Likely benign (1). Last evaluated 2026-01-19.

Conditions:
Arterial tortuosity syndrome (ATORS). Identifiers: Orphanet 3342, MedGen C1859726, MONDO:0008818, OMIM 208050.
Familial thoracic aortic aneurysm and aortic dissection (TAAD). Also called: Thoracic aortic aneurysms and dissections. Identifiers: Orphanet 91387, MedGen C4707243, MONDO:0019625.

Allele frequency attached by ClinVar (database versions not stated): gnomAD 0.00002 and 0.00003; gnomAD exomes 0.00003 and 0.00016; TOPMed 0.00008; ExAC 0.00012.
gnomAD v4.1: 43 of 1,614,076 alleles (0.0027%); highest among the groups gnomAD compares: East Asian, 0.094%; no homozygotes.

Submissions (3):

Labcorp Genetics (formerly Invitae), Labcorp
Classification: Likely benign for Arterial tortuosity syndrome. Last evaluated: 2026-01-19. Review status: criteria provided, single submitter. Criteria: Invitae Variant Classification Sherloc (09022015). Collection method: clinical testing. Allele origin: germline.

Ambry Genetics
Classification: Uncertain significance for Familial thoracic aortic aneurysm and aortic dissection. Last evaluated: 2023-05-09. Review status: criteria provided, single submitter. Criteria: Ambry Variant Classification Scheme 2023. Collection method: clinical testing. Allele origin: germline.
Comment: The p.D292E variant (also known as c.876C>A), located in coding exon 2 of the SLC2A10 gene, results from a C to A substitution at nucleotide position 876. The aspartic acid at codon 292 is replaced by glutamic acid, an amino acid with highly similar properties. This amino acid position is highly conserved in available vertebrate species. In addition, the in silico prediction for this alteration is inconclusive. Since supporting evidence is limited at this time, the clinical significance of this alteration remains unclear.

GeneDx
Classification: Uncertain significance. Last evaluated: 2020-08-20. Review status: criteria provided, single submitter. Criteria: GeneDx Variant Classification Process June 2021. Collection method: clinical testing. Allele origin: germline. Affected: yes.
Comment: In silico analysis supports that this missense variant has a deleterious effect on protein structure/function; Has not been previously published as pathogenic or benign to our knowledge